The following is an entry in ClinVar:

ClinVar aggregate classification (germline): Uncertain significance (1 of 4 stars; one submission).

Conditions:
Hereditary cancer-predisposing syndrome. Also called: Hereditary neoplastic syndrome; Neoplastic Syndromes, Hereditary; Tumor predisposition; Hereditary Cancer Syndrome. Identifiers: Orphanet 140162, MedGen C0027672, MeSH D009386, MONDO:0015356.

gnomAD v4.1: 6 of 1,613,612 alleles (0.00037%); highest among the groups gnomAD compares: Admixed American, 0.0017%; no homozygotes.

Submission:

Ambry Genetics
Classification: Uncertain significance for Hereditary cancer-predisposing syndrome. Last evaluated: 2025-03-03. Review status: criteria provided, single submitter. Criteria: Ambry Variant Classification Scheme 2023. Collection method: clinical testing. Allele origin: germline.
Comment: The c.-2C>T variant is located in the 5' untranslated region (5&rsquo; UTR) of the KIT gene. This variant results from a C to T substitution 2 bases upstream from the first translated codon. This nucleotide position is highly conserved in available vertebrate species. Based on the available evidence, the clinical significance of this variant remains unclear.

NM_000222.3(KIT):c.-2C>T

Gene: KIT (KIT proto-oncogene, receptor tyrosine kinase; plus strand). Cytogenetic location: 4q12.
Variant type: single nucleotide variant.
Coding change: c.-2C>T on transcript NM_000222.3 (MANE Select); 2 bases upstream of the start codon, C replaced by T.
Molecular consequence: 5 prime UTR variant.
Genome position (GRCh38, 1-based): chr4:54,658,013, C>T. VCF-style: chr4-54658013-C-T. GRCh37 (hg19) VCF-style: chr4-55524180-C-T.
Other names: c.-2C>T (NM_001093772.2, NM_001385284.1, NM_001385285.1 and 4 more transcripts).
Identifiers: ClinVar variation 3864508 (VCV003864508.1).